The following is an entry in ClinVar:

NM_001374353.1(GLI2):c.4413G>T (p.Leu1471Phe)

Gene: GLI2 (GLI family zinc finger 2; plus strand). Cytogenetic location: 2q14.2.
Variant type: single nucleotide variant.
Coding change: c.4413G>T on transcript NM_001374353.1 (MANE Select); coding-DNA position 4413, G replaced by T.
Protein change: p.Leu1471Phe; replaces leucine 1471 with phenylalanine.
Molecular consequence: missense variant.
Genome position (GRCh38, 1-based): chr2:120,990,378, G>T. VCF-style: chr2-120990378-G-T. GRCh37 (hg19) VCF-style: chr2-121747954-G-T.
Other names: c.4464G>T, p.Leu1488Phe (NM_001371271.1, NM_005270.5); c.4038G>T, p.Leu1346Phe (NM_001374354.1); short protein forms L1346F, L1471F, L1488F.
Identifiers: ClinVar variation 1016409 (VCV001016409.7), dbSNP rs146403211, ClinGen allele CA1852629.

ClinVar aggregate classification (germline): Conflicting classifications of pathogenicity. Review status: criteria provided, conflicting classifications (1 of 4 stars). 2 submissions from 2 submitters: Uncertain significance (1); Likely benign (1). Last evaluated 2026-07-01.

Conditions:
Holoprosencephaly 9 (HPE9). Also called: PITUITARY ANOMALIES WITH HOLOPROSENCEPHALY-LIKE FEATURES; HOLOPROSENCEPHALY WITH MICROPHTHALMIA AND FIRST BRANCHIAL ARCH ANOMALIES. Identifiers: Orphanet 2162, MedGen C1835819, MONDO:0012563, OMIM 610829.
Postaxial polydactyly-anterior pituitary anomalies-facial dysmorphism syndrome. Also called: Culler-Jones syndrome. Identifiers: Orphanet 420584, MedGen C4014479, MONDO:0014369, OMIM 615849.

Allele frequency attached by ClinVar (database versions not stated): ExAC 0.00006; gnomAD exomes 0.00006 and 0.00007; TOPMed 0.00006; gnomAD 0.00007; ESP Exome Variant Server 0.00008.
gnomAD v4.1: 102 of 1,613,990 alleles (0.0063%); highest among the groups gnomAD compares: Non-Finnish European, 0.0083%; no homozygotes.

Submissions (2):

CeGaT Center for Human Genetics Tuebingen
Classification: Likely benign. Last evaluated: 2026-07-01. Review status: criteria provided, single submitter. Criteria: CeGaT Center For Human Genetics Tuebingen Variant Classification Criteria Version 2. Collection method: clinical testing. Allele origin: germline. Affected: yes. Observed: 1 variant allele.
Comment: GLI2: BP4

Labcorp Genetics (formerly Invitae), Labcorp
Classification: Uncertain significance for Postaxial polydactyly-anterior pituitary anomalies-facial dysmorphism syndrome; Holoprosencephaly 9. Last evaluated: 2025-12-10. Review status: criteria provided, single submitter. Criteria: Invitae Variant Classification Sherloc (09022015). Collection method: clinical testing. Allele origin: germline.
Comment: This sequence change replaces leucine, which is neutral and non-polar, with phenylalanine, which is neutral and non-polar, at codon 1488 of the GLI2 protein (p.Leu1488Phe). This variant is present in population databases (rs146403211, gnomAD 0.02%). This missense change has been observed in individual(s) with clinical features of GLI2-related conditions (PMID: 34198905). ClinVar contains an entry for this variant (Variation ID: 1016409). Invitae Evidence Modeling of protein sequence and biophysical properties (such as structural, functional, and spatial information, amino acid conservation, physicochemical variation, residue mobility, and thermodynamic stability) has been performed for this missense variant. However, the output from this modeling did not meet the statistical confidence thresholds required to predict the impact of this variant on GLI2 protein function. In summary, the available evidence is currently insufficient to determine the role of this variant in disease. Therefore, it has been classified as a Variant of Uncertain Significance.

Literature cited by the submitters: PubMed 34198905 (cited by Labcorp Genetics (formerly Invitae), Labcorp).